The following is an entry in ClinVar:

ClinVar aggregate classification (germline): Uncertain significance. Review status: criteria provided, multiple submitters, no conflicts (2 of 4 stars). 2 submissions from 2 submitters: Uncertain significance (2). Last evaluated 2024-04-02.

Conditions:
Intestinal hypomagnesemia 1. Also called: HYPOMAGNESEMIA, INTESTINAL, WITH SECONDARY HYPOCALCEMIA; HYPOMAGNESEMIC TETANY. Identifiers: Orphanet 30924, MedGen C1865974, MONDO:0011176, OMIM 602014.

Allele frequency attached by ClinVar (database versions not stated): ExAC 0.00001; gnomAD 0.00001 and 0.00002; gnomAD exomes 0.00001; TOPMed 0.00002; ESP Exome Variant Server 0.00015; 1000 Genomes Project 30x 0.00016; 1000 Genomes Project 0.00020.
gnomAD v4.1: 14 of 1,589,304 alleles (0.00088%); highest among the groups gnomAD compares: Admixed American, 0.0017%; no homozygotes.

Submissions (2):

Fulgent Genetics
Classification: Uncertain significance for Intestinal hypomagnesemia 1. Last evaluated: 2024-04-02. Review status: criteria provided, single submitter. Criteria: ACMG Guidelines, 2015. Collection method: clinical testing. Allele origin: germline.

Labcorp Genetics (formerly Invitae), Labcorp
Classification: Uncertain significance. Last evaluated: 2021-08-10. Review status: criteria provided, single submitter. Criteria: Invitae Variant Classification Sherloc (09022015). Collection method: clinical testing. Allele origin: germline.
Comment: Algorithms developed to predict the effect of missense changes on protein structure and function are either unavailable or do not agree on the potential impact of this missense change (SIFT: "Deleterious"; PolyPhen-2: "Possibly Damaging"; Align-GVGD: "Class C0"). This variant has not been reported in the literature in individuals affected with TRPM6-related conditions. This variant is present in population databases (rs148912866, ExAC 0.002%). This sequence change replaces proline with serine at codon 1595 of the TRPM6 protein (p.Pro1595Ser). The proline residue is moderately conserved and there is a moderate physicochemical difference between proline and serine. In summary, the available evidence is currently insufficient to determine the role of this variant in disease. Therefore, it has been classified as a Variant of Uncertain Significance.

NM_017662.5(TRPM6):c.4783C>T (p.Pro1595Ser)

Gene: TRPM6 (transient receptor potential cation channel subfamily M member 6; minus strand). Cytogenetic location: 9q21.13.
Variant type: single nucleotide variant.
Coding change: c.4783C>T on transcript NM_017662.5 (MANE Select); coding-DNA position 4783, C replaced by T.
Protein change: p.Pro1595Ser; replaces proline 1595 with serine.
Molecular consequence: missense variant.
Genome position (GRCh38, 1-based): chr9:74,761,698, G>A on the plus strand (C>T on the coding strand, the complement: TRPM6 is on the minus strand). VCF-style: chr9-74761698-G-A. GRCh37 (hg19) VCF-style: chr9-77376614-G-A.
Other names: c.4768C>T, p.Pro1590Ser (NM_001177310.2, NM_001177311.2); short protein forms P1590S, P1595S.
Identifiers: ClinVar variation 1482323 (VCV001482323.5), dbSNP rs148912866, ClinGen allele CA5084030.
Genomic context (GRCh38, chr9:74,761,698, plus strand): 5'-AGATAGGCCACTACCTTGACTGCTCAAAACCTAAAAGACAGAATAACAGTACACTTACTG[G>A]CACCTGGAGTCCTTGAGTATTCTTCTTTTTCTTTGACAGTCTCCTGTCTTTGGTTAGCAT-3'
Protein context (NP_060132.3, residues 1585-1605): KKKNTQGLQV[Pro1595Ser]IITVNACSQS